The following is an entry in ClinVar:

ClinVar aggregate classification (germline): Uncertain significance. Review status: criteria provided, multiple submitters, no conflicts (2 of 4 stars). 2 submissions from 2 submitters: Uncertain significance (2). Last evaluated 2026-05-26.

Conditions:
DMXL2-related disorder. Also called: DMXL2-related condition.

Allele frequency attached by ClinVar (database versions not stated): gnomAD 0.00003; TOPMed 0.00004; ExAC 0.00007; ESP Exome Variant Server 0.00008.
gnomAD v4.1: 107 of 1,613,502 alleles (0.0066%); highest among the groups gnomAD compares: Admixed American, 0.012%; no homozygotes.

Submissions (2):

PreventionGenetics, part of Exact Sciences
Classification: Uncertain significance for DMXL2-related condition. Last evaluated: 2026-05-26. Review status: criteria provided, single submitter. Criteria: ACMG Guidelines, 2015. Collection method: clinical testing. Allele origin: germline.
Comment: The DMXL2 c.2512G>A variant is predicted to result in the amino acid substitution p.Ala838Thr. To our knowledge, this variant has not been reported in the literature. This variant is reported in 0.0085% of alleles in individuals of Latino descent in gnomAD. At this time, the clinical significance of this variant is uncertain due to the absence of conclusive functional and genetic evidence.

Labcorp Genetics (formerly Invitae), Labcorp
Classification: Uncertain significance. Last evaluated: 2022-07-03. Review status: criteria provided, single submitter. Criteria: Invitae Variant Classification Sherloc (09022015). Collection method: clinical testing. Allele origin: germline.
Comment: This sequence change replaces alanine, which is neutral and non-polar, with threonine, which is neutral and polar, at codon 838 of the DMXL2 protein (p.Ala838Thr). The frequency data for this variant in the population databases is considered unreliable, as metrics indicate poor data quality at this position in the gnomAD database. This variant has not been reported in the literature in individuals affected with DMXL2-related conditions. Algorithms developed to predict the effect of missense changes on protein structure and function are either unavailable or do not agree on the potential impact of this missense change (SIFT: "Tolerated"; PolyPhen-2: "Possibly Damaging"; Align-GVGD: "Class C0"). In summary, the available evidence is currently insufficient to determine the role of this variant in disease. Therefore, it has been classified as a Variant of Uncertain Significance.

NM_001378457.1(DMXL2):c.2512G>A (p.Ala838Thr)

Gene: DMXL2 (Dmx like 2; minus strand). Cytogenetic location: 15q21.2.
Variant type: single nucleotide variant.
Coding change: c.2512G>A on transcript NM_001378457.1 (MANE Select); coding-DNA position 2512, G replaced by A.
Protein change: p.Ala838Thr; replaces alanine 838 with threonine.
Molecular consequence: missense variant. On other transcripts: non-coding transcript variant (2).
Genome position (GRCh38, 1-based): chr15:51,517,092, C>T on the plus strand (G>A on the coding strand, the complement: DMXL2 is on the minus strand). VCF-style: chr15-51517092-C-T. GRCh37 (hg19) VCF-style: chr15-51809289-C-T.
Other names: c.2512G>A, p.Ala838Thr (NM_001174116.3, NM_001174117.3, NM_001378458.1 and 6 more transcripts); c.2272G>A, p.Ala758Thr (NM_001378464.1); c.2512G>A (NM_001174116.1); short protein forms A838T, A758T.
Identifiers: ClinVar variation 2075151 (VCV002075151.2), dbSNP rs199866251, ClinGen allele CA7562356.
Genomic context (GRCh38, chr15:51,517,092, plus strand): 5'-TGGGATAAAGTATACGAATATCACCAATTCACAAGCATGTTTTTACTTGGTTGGTTATTG[C>T]GTCGAGTTCAATAATGCAGCCAGGTCGAGCAGTAGACTGTTGGCTCACAATATTAAACAC-3'
Protein context (NP_001365386.1, residues 828-848): ARPGCIIELD[Ala838Thr]ITNQCGSNTQ